The following is an entry in ClinVar:

NM_001164462.2(MUC12):c.2238G>A (p.Pro746=)

Gene: MUC12 (mucin 12, cell surface associated; plus strand). Cytogenetic location: 7q22.1.
Variant type: single nucleotide variant.
Coding change: c.2238G>A on transcript NM_001164462.2 (MANE Select); coding-DNA position 2238, G replaced by A.
Protein change: p.Pro746=; no amino-acid change (proline 746 retained).
Molecular consequence: synonymous variant.
Genome position (GRCh38, 1-based): chr7:100,992,801, G>A. VCF-style: chr7-100992801-G-A. GRCh37 (hg19) VCF-style: chr7-100636082-G-A.
Identifiers: ClinVar variation 2657803 (VCV002657803.24), dbSNP rs778671820, ClinGen allele CA4399289.

ClinVar aggregate classification (germline): Likely benign (1 of 4 stars; one submission).

Allele frequency attached by ClinVar (database versions not stated): ExAC 0.00033; gnomAD 0.00033.

Submission:

CeGaT Center for Human Genetics Tuebingen
Classification: Likely benign. Last evaluated: 2022-03-01. Review status: criteria provided, single submitter. Criteria: CeGaT Center For Human Genetics Tuebingen Variant Classification Criteria Version 2. Collection method: clinical testing. Allele origin: germline. Affected: yes. Observed: 1 variant allele.
Comment: MUC12: BP4, BP7